The following is an entry in ClinVar:

ClinVar aggregate classification (germline): Pathogenic (1 of 4 stars; one submission).

Conditions:
LAMA2-related muscular dystrophy (LAMA2-RD). Also called: Laminin alpha 2-related dystrophy. Identifiers: MedGen C5679788, MONDO:0100228.

Submission:

Labcorp Genetics (formerly Invitae), Labcorp
Classification: Pathogenic for LAMA2-related muscular dystrophy. Last evaluated: 2022-06-13. Review status: criteria provided, single submitter. Criteria: Invitae Variant Classification Sherloc (09022015). Collection method: clinical testing. Allele origin: germline.
Comment: For these reasons, this variant has been classified as Pathogenic. Algorithms developed to predict the effect of sequence changes on RNA splicing suggest that this variant may disrupt the consensus splice site. This variant has not been reported in the literature in individuals affected with LAMA2-related conditions. This variant is not present in population databases (gnomAD no frequency). This sequence change creates a premature translational stop signal (p.Tyr2506*) in the LAMA2 gene. It is expected to result in an absent or disrupted protein product. Loss-of-function variants in LAMA2 are known to be pathogenic (PMID: 18700894, 32904964).

Literature cited by the submitters: PubMed 18700894; PubMed 32904964.

NM_000426.4(LAMA2):c.7518C>A (p.Tyr2506Ter)

Gene: LAMA2 (laminin subunit alpha 2; plus strand). Cytogenetic location: 6q22.33.
Variant type: single nucleotide variant.
Coding change: c.7518C>A on transcript NM_000426.4 (MANE Select); coding-DNA position 7518, C replaced by A.
Protein change: p.Tyr2506Ter; replaces tyrosine 2506 with a stop codon.
Molecular consequence: nonsense.
Genome position (GRCh38, 1-based): chr6:129,478,759, C>A. VCF-style: chr6-129478759-C-A. GRCh37 (hg19) VCF-style: chr6-129799904-C-A.
Other names: c.7506C>A, p.Tyr2502Ter (NM_001079823.2); short protein forms Y2502*, Y2506*.
Identifiers: ClinVar variation 1428354 (VCV001428354.6), dbSNP rs2114834541, ClinGen allele CA365626649.